The following is an entry in ClinVar:

NM_000088.4(COL1A1):c.3055G>T (p.Gly1019Cys)

Gene: COL1A1 (collagen type I alpha 1 chain; minus strand). Cytogenetic location: 17q21.33.
Variant type: single nucleotide variant.
Coding change: c.3055G>T on transcript NM_000088.4 (MANE Select); coding-DNA position 3055, G replaced by T.
Protein change: p.Gly1019Cys; replaces glycine 1019 with cysteine.
Molecular consequence: missense variant.
Genome position (GRCh38, 1-based): chr17:50,188,786, C>A on the plus strand (G>T on the coding strand, the complement: COL1A1 is on the minus strand). VCF-style: chr17-50188786-C-A. GRCh37 (hg19) VCF-style: chr17-48266147-C-A.
Other names: short protein forms G1019C.
Identifiers: ClinVar variation 626346 (VCV000626346.4), dbSNP rs1598288342, ClinGen allele CA400203311.

ClinVar aggregate classification (germline): Pathogenic (1 of 4 stars; one submission).

Conditions:
Osteogenesis imperfecta type I (OI1). Also called: Lobstein disease; OI, TYPE I; OSTEOGENESIS IMPERFECTA TARDA; OSTEOGENESIS IMPERFECTA WITH BLUE SCLERAE; Classic Non-deforming Osteogenesis Imperfecta with Blue Sclerae; Osteogenesis imperfecta type 1. Identifiers: Orphanet 216796, Orphanet 666, MedGen C0023931, MONDO:0008146, OMIM 166200. Disease mechanism: loss of function.

Submission:

Paediatric Orthopaedics Research Lab, Christian Medical College
Classification: Pathogenic for Osteogenesis imperfecta type I. Last evaluated: 2019-01-29. Review status: criteria provided, single submitter. Criteria: ACMG Guidelines, 2015. Collection method: research. Allele origin: unknown. Inheritance: Sporadic. Affected: yes. Observed: 1 heterozygote.
Comment: COL1A1 variants are associated with Osteogenesis imperfecta (OI). Previous reports of glycine substitution mutation in COL1A1 gene has been associated with severe OI phenotype.